The following is an entry in ClinVar:

ClinVar aggregate classification (germline): Uncertain significance. Review status: criteria provided, multiple submitters, no conflicts (2 of 4 stars). 2 submissions from 2 submitters: Uncertain significance (2). Last evaluated 2025-12-16.

Conditions:
Inborn genetic diseases. Identifiers: MedGen C0950123, MeSH D030342.

gnomAD v4.1: 14 of 1,613,468 alleles (0.00087%); highest among the groups gnomAD compares: Non-Finnish European, 0.0012%; no homozygotes.

Submissions (2):

Ambry Genetics
Classification: Uncertain significance for Inborn genetic diseases. Last evaluated: 2025-12-16. Review status: criteria provided, single submitter. Criteria: Ambry Variant Classification Scheme 2023. Collection method: clinical testing. Allele origin: germline.

GeneDx
Classification: Uncertain significance. Last evaluated: 2025-04-03. Review status: criteria provided, single submitter. Criteria: GeneDx Variant Classification Process June 2021. Collection method: clinical testing. Allele origin: germline. Affected: yes.
Comment: Not observed at significant frequency in large population cohorts (gnomAD); In silico analysis indicates that this missense variant does not alter protein structure/function; In silico analysis is inconclusive as to whether the variant alters gene splicing. In the absence of RNA/functional studies, the actual effect of this sequence change is unknown.; Has not been previously published as pathogenic or benign to our knowledge

NM_033305.3(VPS13A):c.7685A>G (p.Lys2562Arg)

Gene: VPS13A (vacuolar protein sorting 13 homolog A; plus strand). Cytogenetic location: 9q21.2.
Variant type: single nucleotide variant.
Coding change: c.7685A>G on transcript NM_033305.3 (MANE Select); coding-DNA position 7685, A replaced by G.
Protein change: p.Lys2562Arg; replaces lysine 2562 with arginine.
Molecular consequence: missense variant.
Genome position (GRCh38, 1-based): chr9:77,356,746, A>G. VCF-style: chr9-77356746-A-G. GRCh37 (hg19) VCF-style: chr9-79971662-A-G.
Other names: c.7568A>G, p.Lys2523Arg (NM_001018037.2); c.7685A>G, p.Lys2562Arg (NM_001018038.3, NM_015186.4); short protein forms K2523R, K2562R.
Identifiers: ClinVar variation 4795489 (VCV004795489.2).